The following is an entry in ClinVar:

NM_001401501.2(MUC16):c.29772C>T (p.Thr9924=)

Gene: MUC16 (mucin 16, cell surface associated; minus strand). Cytogenetic location: 19p13.2.
Variant type: single nucleotide variant.
Coding change: c.29772C>T on transcript NM_001401501.2 (MANE Select); coding-DNA position 29772, C replaced by T.
Protein change: p.Thr9924=; no amino-acid change (threonine 9924 retained).
Molecular consequence: synonymous variant.
Genome position (GRCh38, 1-based): chr19:8,947,118, G>A on the plus strand (C>T on the coding strand, the complement: MUC16 is on the minus strand). VCF-style: chr19-8947118-G-A. GRCh37 (hg19) VCF-style: chr19-9057794-G-A.
Other names: c.30198C>T, p.Thr10066= (NM_001414686.1); c.29652C>T, p.Thr9884= (NM_001414687.1, NM_024690.2).
Identifiers: ClinVar variation 2649240 (VCV002649240.24), dbSNP rs143428939, ClinGen allele CA9167278.

ClinVar aggregate classification (germline): Likely benign (1 of 4 stars; one submission).

Allele frequency attached by ClinVar (database versions not stated): 1000 Genomes Project 30x 0.00109; 1000 Genomes Project 0.00140; ESP Exome Variant Server 0.00229; TOPMed 0.00229; gnomAD 0.00311; ExAC 0.00377.

Submission:

CeGaT Center for Human Genetics Tuebingen
Classification: Likely benign. Last evaluated: 2022-07-01. Review status: criteria provided, single submitter. Criteria: CeGaT Center For Human Genetics Tuebingen Variant Classification Criteria Version 2. Collection method: clinical testing. Allele origin: germline. Affected: yes. Observed: 2 variant alleles.
Comment: MUC16: BP4, BP7